The following is an entry in ClinVar:

NM_138792.4(LEO1):c.1786G>C (p.Gly596Arg)

Gene: LEO1 (LEO1 component of Paf1/RNA polymerase II complex; minus strand). Cytogenetic location: 15q21.2.
Variant type: single nucleotide variant.
Coding change: c.1786G>C on transcript NM_138792.4 (MANE Select); coding-DNA position 1786, G replaced by C.
Protein change: p.Gly596Arg; replaces glycine 596 with arginine.
Molecular consequence: missense variant.
Genome position (GRCh38, 1-based): chr15:51,949,820, C>G on the plus strand (G>C on the coding strand, the complement: LEO1 is on the minus strand). VCF-style: chr15-51949820-C-G. GRCh37 (hg19) VCF-style: chr15-52242017-C-G.
Other names: c.1786G>C, p.Gly596Arg (NM_001426597.1, NM_001426598.1, NM_001323903.2 and 1 more transcripts); c.1606G>C, p.Gly536Arg (NM_001286430.2); short protein forms G536R, G596R.
Identifiers: ClinVar variation 5016985 (VCV005016985.1).

ClinVar aggregate classification (germline): Uncertain significance (1 of 4 stars; one submission).

Submission:

GeneDx
Classification: Uncertain significance. Last evaluated: 2026-03-23. Review status: criteria provided, single submitter. Criteria: GeneDx Variant Classification Process June 2021. Collection method: clinical testing. Allele origin: germline.
Comment: Not observed at significant frequency in large population cohorts (gnomAD); In silico analysis suggests that this missense variant does not alter protein structure/function; Has not been previously published as pathogenic or benign to our knowledge